The following is an entry in ClinVar:

NM_004360.5(CDH1):c.1488C>T (p.Ser496=)

Gene: CDH1 (cadherin 1; plus strand). Cytogenetic location: 16q22.1.
Variant type: single nucleotide variant.
Coding change: c.1488C>T on transcript NM_004360.5 (MANE Select); coding-DNA position 1488, C replaced by T.
Protein change: p.Ser496=; no amino-acid change (serine 496 retained).
Molecular consequence: synonymous variant. On other transcripts: 5 prime UTR variant (2).
Genome position (GRCh38, 1-based): chr16:68,815,682, C>T. VCF-style: chr16-68815682-C-T. GRCh37 (hg19) VCF-style: chr16-68849585-C-T.
Other names: c.1488C>T (LRG_301t1, NM_004360.4); c.1305C>T, p.Ser435= (NM_001317184.2); c.-61C>T (NM_001317185.2); c.-332C>T (NM_001317186.2).
Identifiers: ClinVar variation 184488 (VCV000184488.51), dbSNP rs751346548, ClinGen allele CA189104.

ClinVar aggregate classification (germline): Conflicting classifications of pathogenicity. Review status: criteria provided, conflicting classifications (1 of 4 stars). 13 submissions from 13 submitters: Uncertain significance (1); Benign (2); Likely benign (8). 2 of the submissions do not count toward it. Last evaluated 2026-01-14.

Conditions:
CDH1-related diffuse gastric and lobular breast cancer syndrome. Also called: CDH1-related diffuse gastric and lobular breast cancer. Identifiers: MedGen CN311521, MONDO:0100488.
CDH1-related disorder. Also called: CDH1-related condition.
Hereditary cancer-predisposing syndrome. Also called: Tumor predisposition; Neoplastic Syndromes, Hereditary; Hereditary Cancer Syndrome; Hereditary neoplastic syndrome. Identifiers: Orphanet 140162, MedGen C0027672, MeSH D009386, MONDO:0015356.
Hereditary diffuse gastric adenocarcinoma (HDGC). Also called: DIFFUSE GASTRIC AND LOBULAR BREAST CANCER SYNDROME. Identifiers: Orphanet 26106, MedGen C1708349, MONDO:0007648, OMIM 137215.

Allele frequency attached by ClinVar (database versions not stated): ExAC 0.00001; gnomAD 0.00002; gnomAD exomes 0.00002; TOPMed 0.00003.

Submissions (13):

Labcorp Genetics (formerly Invitae), Labcorp
Classification: Likely benign for Hereditary diffuse gastric adenocarcinoma. Last evaluated: 2026-01-14. Review status: criteria provided, single submitter. Criteria: Invitae Variant Classification Sherloc (09022015). Collection method: clinical testing. Allele origin: germline.

Quest Diagnostics Nichols Institute San Juan Capistrano
Classification: Likely benign. Last evaluated: 2025-08-28. Review status: criteria provided, single submitter. Criteria: Quest Diagnostics criteria. Collection method: clinical testing. Allele origin: unknown.

Department of Pathology and Laboratory Medicine, Sinai Health System
Classification: Likely benign for CDH1-related diffuse gastric and lobular breast cancer syndrome. Last evaluated: 2024-10-24. Review status: criteria provided, single submitter. Criteria: ACMG Guidelines, 2015. Collection method: clinical testing. Allele origin: germline.

Myriad Genetics, Inc.
Classification: Benign for Hereditary diffuse gastric adenocarcinoma. Last evaluated: 2023-03-06. Review status: criteria provided, single submitter. Criteria: Myriad Autosomal Dominant, Autosomal Recessive and X-Linked Classification Criteria (2023). Collection method: clinical testing. Allele origin: unknown.
Comment: This variant is considered benign. This variant is a silent/synonymous amino acid change and it is not expected to impact splicing.

CeGaT Center for Human Genetics Tuebingen
Classification: Likely benign. Last evaluated: 2023-01-01. Review status: criteria provided, single submitter. Criteria: CeGaT Center For Human Genetics Tuebingen Variant Classification Criteria Version 2. Collection method: clinical testing. Allele origin: germline. Affected: yes. Observed: 1 variant allele.
Comment: CDH1: BP4, BP7

European Reference Network on Genetic Tumour Risk Syndromes (ERN-GENTURIS), i3s - Instituto de Investigação e Inovação em Saúde, University of Porto
Classification: Uncertain significance for Hereditary diffuse gastric adenocarcinoma. Last evaluated: 2022-08-01. Review status: criteria provided, single submitter. Criteria: Lee et al. (Hum Mutat. 2018). Collection method: clinical testing. Allele origin: germline. Inheritance: Autosomal dominant inheritance. Affected: no. Study: ERN GENTURIS.
Comment: Not applicable criteria (PMID: 30311375)

Sema4
Classification: Likely benign for Hereditary cancer-predisposing syndrome. Last evaluated: 2022-02-09. Review status: criteria provided, single submitter. Criteria: Sema4 Curation Guidelines. Collection method: curation. Allele origin: germline.

Women's Health and Genetics/Laboratory Corporation of America, LabCorp
Classification: Likely benign. Last evaluated: 2018-03-28. Review status: criteria provided, single submitter. Criteria: LabCorp Variant Classification Summary - May 2015. Collection method: clinical testing. Allele origin: germline.
Comment: Variant summary: CDH1 c.1488C>T alters a non-conserved nucleotide resulting in a synonymous change. 5/5 computational tools predict no significant impact on normal splicing. However, these predictions have yet to be confirmed by functional studies. The variant was observed with an allele frequency of 1.8e-05 in 277238 control chromosomes (gnomAD), predominantly in the Non-Finnish European cohort, 5/126720 chromosomes. The observed variant frequency within Non-Finnish European control individuals in the gnomAD database is approximately 1-fold higher than the estimated maximal expected allele frequency for a pathogenic variant in CDH1 causing Hereditary Diffuse Gastric Cancer phenotype (2.8e-05), strongly suggesting that the variant is a benign polymorphism found primarily in populations of Non-Finnish European origin. To our knowledge, no occurrence of c.1488C>T in individuals affected with Hereditary Diffuse Gastric Cancer and no experimental evidence demonstrating its impact on protein function have been reported. Multiple ClinVar submissions from clinical diagnostic laboratories (evaluation after 2014) cites the variant as "likely benign." Based on the evidence outlined above, the variant was classified as "likely benign."

Color Diagnostics, LLC DBA Color Health
Classification: Likely benign for Hereditary cancer-predisposing syndrome. Last evaluated: 2016-05-24. Review status: criteria provided, single submitter. Criteria: ACMG Guidelines, 2015. Collection method: clinical testing. Allele origin: germline.

Ambry Genetics
Classification: Likely benign for Hereditary cancer-predisposing syndrome. Last evaluated: 2015-06-04. Review status: criteria provided, single submitter. Criteria: Ambry Variant Classification Scheme 2023. Collection method: clinical testing. Allele origin: germline.

GeneDx
Classification: Benign. Last evaluated: 2015-03-03. Review status: criteria provided, single submitter. Criteria: GeneDx Variant Classification Process June 2021. Collection method: clinical testing. Allele origin: germline. Affected: yes.

PreventionGenetics, part of Exact Sciences
Classification: Likely benign for CDH1-related condition. Last evaluated: 2024-03-26. Review status: no assertion criteria provided. Collection method: clinical testing. Allele origin: germline. Not counted in ClinVar's aggregate classification.
Comment: This variant is classified as likely benign based on ACMG/AMP sequence variant interpretation guidelines (Richards et al. 2015 PMID: 25741868, with internal and published modifications).

Counsyl
Classification: Likely benign for Hereditary diffuse gastric adenocarcinoma. Last evaluated: 2016-06-23. Review status: no assertion criteria provided. Collection method: clinical testing. Allele origin: unknown. Not counted in ClinVar's aggregate classification.

Literature cited by the submitters: PubMed 36436516 (cited by European Reference Network on Genetic Tumour Risk Syndromes (ERN-GENTURIS), i3s - Instituto de Investigação e Inovação em Saúde, University of Porto).